The following is an entry in ClinVar:

NC_000003.11:g.(71096247_71101687)_(71102925_71161686)del

Gene: FOXP1 (forkhead box P1; minus strand). Cytogenetic location: 3p13.
Variant type: Deletion.
Identifiers: ClinVar variation 3768735 (VCV003768735.1).

ClinVar aggregate classification (germline): Uncertain significance (1 of 4 stars; one submission).

Submission:

Women's Health and Genetics/Laboratory Corporation of America, LabCorp
Classification: Uncertain significance. Last evaluated: 2025-02-05. Review status: criteria provided, single submitter. Criteria: LabCorp Variant Classification Summary - May 2015. Collection method: clinical testing. Allele origin: germline.
Comment: Variant summary: The variant involves the deletion of exons 8-9 in the FOXP1 gene. A presumed nomenclature of c.(282+1_283-1)_(510+1_511-1)del has been designated for the purposes of this classification. The variant was absent in 21694 control chromosomes. The available data on variant occurrences in the general population are insufficient to allow any conclusion about variant significance. To our knowledge, no occurrence of c.(282+1_283-1)_(510+1_511-1)del in individuals affected with Mental Retardation With Language Impairment And With Or Without Autistic Features and no experimental evidence demonstrating its impact on protein function have been reported. No submitters have cited clinical-significance assessments for this variant to ClinVar. Based on the evidence outlined above, the variant was classified as uncertain significance.